The following is an entry in ClinVar:

ClinVar aggregate classification (germline): Uncertain significance (1 of 4 stars; one submission).

Conditions:
Familial cancer of breast. Also called: BREAST CANCER, FAMILIAL; hereditary breast carcinoma; Hereditary breast cancer. Identifiers: Orphanet 227535, MedGen C0346153, MONDO:0016419, OMIM 114480. Disease mechanism: loss of function.

Submission:

Labcorp Genetics (formerly Invitae), Labcorp
Classification: Uncertain significance for Familial cancer of breast. Last evaluated: 2017-07-27. Review status: criteria provided, single submitter. Criteria: Invitae Variant Classification Sherloc (09022015). Collection method: clinical testing. Allele origin: germline.
Comment: In summary, the available evidence is currently insufficient to determine the role of this variant in disease. Therefore, it has been classified as a Variant of Uncertain Significance. Algorithms developed to predict the effect of sequence changes on RNA splicing suggest that this variant may disrupt the consensus splice site, but this prediction has not been confirmed by published transcriptional studies. This variant has not been reported in the literature in individuals with CHEK2-related disease. This variant is not present in population databases (ExAC no frequency). This sequence change falls in intron 10 of the CHEK2 gene. It does not directly change the encoded amino acid sequence of the CHEK2 protein.

NM_007194.4(CHEK2):c.1096-10T>A

Gene: CHEK2 (checkpoint kinase 2; minus strand). Cytogenetic location: 22q12.1.
Variant type: single nucleotide variant.
Coding change: c.1096-10T>A on transcript NM_007194.4 (MANE Select); 10 bases into the intron before coding-DNA position 1096, T replaced by A.
Molecular consequence: intron variant.
Genome position (GRCh38, 1-based): chr22:28,695,883, A>T on the plus strand (T>A on the coding strand, the complement: CHEK2 is on the minus strand). VCF-style: chr22-28695883-A-T. GRCh37 (hg19) VCF-style: chr22-29091871-A-T.
Other names: c.433-10T>A (NM_001437942.1, NM_001257387.3); c.895-10T>A (NM_001349956.3); c.1009-10T>A (NM_145862.3); c.1102-10T>A (NM_001438295.1); c.1189-10T>A (NM_001438293.1); c.1138-10T>A (NM_001438294.1); c.1225-10T>A (NM_001005735.3).
Identifiers: ClinVar variation 460782 (VCV000460782.9), dbSNP rs1555913946, ClinGen allele CA658656833.